The following is an entry in ClinVar:

ClinVar aggregate classification (germline): Uncertain significance (1 of 4 stars; one submission).

Conditions:
Focal segmental glomerulosclerosis 1 (FSGS1). Identifiers: Orphanet 656, MedGen C4551527, MONDO:0011303, OMIM 603278.

gnomAD v4.1: 1 of 1,613,274 alleles (0.000062%); highest among the groups gnomAD compares: Non-Finnish European, 0.000085%; no homozygotes.

Submission:

MVZ Medizinische Genetik Mainz
Classification: Uncertain significance for Focal segmental glomerulosclerosis 1. Last evaluated: 2026-05-15. Review status: criteria provided, single submitter. Criteria: UK Practice Guidelines For Variant Classification V4 01 2020. Collection method: clinical testing. Allele origin: germline. Inheritance: Autosomal dominant inheritance. Affected: yes. Observed: 1 variant allele.
Comment: ACMG Criteria: PM2_SUP,PP2

NM_004924.6(ACTN4):c.1951C>T (p.Arg651Cys)

Gene: ACTN4 (actinin alpha 4; plus strand). Cytogenetic location: 19q13.2.
Variant type: single nucleotide variant.
Coding change: c.1951C>T on transcript NM_004924.6 (MANE Select); coding-DNA position 1951, C replaced by T.
Protein change: p.Arg651Cys; replaces arginine 651 with cysteine.
Molecular consequence: missense variant.
Genome position (GRCh38, 1-based): chr19:38,724,506, C>T. VCF-style: chr19-38724506-C-T. GRCh37 (hg19) VCF-style: chr19-39215146-C-T.
Other names: c.1951C>T, p.Arg651Cys (NM_001322033.2, NM_001411143.1, NM_001440296.1 and 2 more transcripts); c.1699C>T, p.Arg567Cys (NM_001440299.1); short protein forms R567C, R651C.
Identifiers: ClinVar variation 4852385 (VCV004852385.1).